The following is an entry in ClinVar:

ClinVar aggregate classification (germline): Uncertain significance. Review status: criteria provided, multiple submitters, no conflicts (2 of 4 stars). 2 submissions from 2 submitters: Uncertain significance (2). Last evaluated 2024-01-04.

Conditions:
Primary ciliary dyskinesia. Also called: Ciliary dyskinesia. Identifiers: Orphanet 244, MedGen C0008780, MONDO:0016575, HP:0012265.

Allele frequency attached by ClinVar (database versions not stated): gnomAD exomes below 0.00001.
gnomAD v4.1: 1 of 1,613,984 alleles (0.000062%); highest among the groups gnomAD compares: Non-Finnish European, 0.000085%; no homozygotes.

Submissions (2):

Ambry Genetics
Classification: Uncertain significance. Last evaluated: 2024-01-04. Review status: criteria provided, single submitter. Criteria: Ambry Variant Classification Scheme 2023. Collection method: clinical testing. Allele origin: germline.

Labcorp Genetics (formerly Invitae), Labcorp
Classification: Uncertain significance for Primary ciliary dyskinesia. Last evaluated: 2019-04-17. Review status: criteria provided, single submitter. Criteria: Invitae Variant Classification Sherloc (09022015). Collection method: clinical testing. Allele origin: germline.
Comment: In summary, the available evidence is currently insufficient to determine the role of this variant in disease. Therefore, it has been classified as a Variant of Uncertain Significance. Algorithms developed to predict the effect of missense changes on protein structure and function are either unavailable or do not agree on the potential impact of this missense change (SIFT: "Deleterious"; PolyPhen-2: "Not Available"; Align-GVGD: "Class C0"). This variant has not been reported in the literature in individuals with DNAH8-related conditions. This variant is not present in population databases (ExAC no frequency). This sequence change replaces glutamic acid with alanine at codon 1567 of the DNAH8 protein (p.Glu1567Ala). The glutamic acid residue is highly conserved and there is a moderate physicochemical difference between glutamic acid and alanine.

NM_001206927.2(DNAH8):c.4700A>C (p.Glu1567Ala)

Gene: DNAH8 (dynein axonemal heavy chain 8; plus strand). Cytogenetic location: 6p21.2.
Variant type: single nucleotide variant.
Coding change: c.4700A>C on transcript NM_001206927.2 (MANE Select); coding-DNA position 4700, A replaced by C.
Protein change: p.Glu1567Ala; replaces glutamic acid 1567 with alanine.
Molecular consequence: missense variant.
Genome position (GRCh38, 1-based): chr6:38,842,758, A>C. VCF-style: chr6-38842758-A-C. GRCh37 (hg19) VCF-style: chr6-38810534-A-C.
Other names: c.4049A>C, p.Glu1350Ala (NM_001371.4); short protein forms E1567A, E1350A.
Identifiers: ClinVar variation 950778 (VCV000950778.11), dbSNP rs1774924293, ClinGen allele CA364003802.